The following is an entry in ClinVar:

ClinVar aggregate classification (germline): Uncertain significance (1 of 4 stars; one submission).

gnomAD v4.1: 2 of 1,613,528 alleles (0.00012%); highest among the groups gnomAD compares: Non-Finnish European, 0.00017%; no homozygotes.

Submission:

Labcorp Genetics (formerly Invitae), Labcorp
Classification: Uncertain significance. Last evaluated: 2024-06-19. Review status: criteria provided, single submitter. Criteria: Invitae Variant Classification Sherloc (09022015). Collection method: clinical testing. Allele origin: germline.
Comment: This sequence change replaces glutamic acid, which is acidic and polar, with aspartic acid, which is acidic and polar, at codon 165 of the SLC12A6 protein (p.Glu165Asp). This variant is present in population databases (no rsID available, gnomAD 0.0009%). This variant has not been reported in the literature in individuals affected with SLC12A6-related conditions. Advanced modeling of protein sequence and biophysical properties (such as structural, functional, and spatial information, amino acid conservation, physicochemical variation, residue mobility, and thermodynamic stability) performed at Invitae indicates that this missense variant is not expected to disrupt SLC12A6 protein function with a negative predictive value of 80%. In summary, the available evidence is currently insufficient to determine the role of this variant in disease. Therefore, it has been classified as a Variant of Uncertain Significance.

NM_001365088.1(SLC12A6):c.495A>C (p.Glu165Asp)

Gene: SLC12A6 (solute carrier family 12 member 6; minus strand). Cytogenetic location: 15q14.
Variant type: single nucleotide variant.
Coding change: c.495A>C on transcript NM_001365088.1 (MANE Select); coding-DNA position 495, A replaced by C.
Protein change: p.Glu165Asp; replaces glutamic acid 165 with aspartic acid.
Molecular consequence: missense variant.
Genome position (GRCh38, 1-based): chr15:34,258,861, T>G on the plus strand (A>C on the coding strand, the complement: SLC12A6 is on the minus strand). VCF-style: chr15-34258861-T-G. GRCh37 (hg19) VCF-style: chr15-34551062-T-G.
Other names: c.318A>C, p.Glu106Asp (NM_001042494.2, NM_001042495.2); c.468A>C, p.Glu156Asp (NM_001042496.2); c.450A>C, p.Glu150Asp (NM_001042497.2); c.342A>C, p.Glu114Asp (NM_005135.2); c.495A>C, p.Glu165Asp (NM_133647.2); short protein forms E106D, E114D, E150D, E156D, E165D.
Identifiers: ClinVar variation 3622945 (VCV003622945.2).